The following is an entry in ClinVar:

NM_015272.5(RPGRIP1L):c.171G>T (p.Leu57Phe)

Gene: RPGRIP1L (RPGRIP1 like; minus strand). Cytogenetic location: 16q12.2.
Variant type: single nucleotide variant.
Coding change: c.171G>T on transcript NM_015272.5 (MANE Select); coding-DNA position 171, G replaced by T.
Protein change: p.Leu57Phe; replaces leucine 57 with phenylalanine.
Molecular consequence: missense variant.
Genome position (GRCh38, 1-based): chr16:53,696,210, C>A on the plus strand (G>T on the coding strand, the complement: RPGRIP1L is on the minus strand). VCF-style: chr16-53696210-C-A. GRCh37 (hg19) VCF-style: chr16-53730122-C-A.
Other names: p.Leu57Phe; c.171G>T, p.Leu57Phe (NM_001127897.4, NM_001308334.3, NM_001328422.2 and 2 more transcripts); short protein forms L57F.
Identifiers: ClinVar variation 319670 (VCV000319670.62), dbSNP rs146925098, ClinGen allele CA8058197.

ClinVar aggregate classification (germline): Conflicting classifications of pathogenicity. Review status: criteria provided, conflicting classifications (1 of 4 stars). 14 submissions from 12 submitters: Uncertain significance (10); Likely benign (4). Last evaluated 2026-01-28.

Conditions:
Inborn genetic diseases. Identifiers: MedGen C0950123, MeSH D030342.
Joubert syndrome. Also called: Familial aplasia of the vermis; JOUBERT-BOLTSHAUSER SYNDROME. Identifiers: Orphanet 475, MedGen C5979921, MONDO:0018772.
Meckel-Gruber syndrome. Also called: DYSENCEPHALIA SPLANCHNOCYSTICA; GRUBER SYNDROME; Dysencephalia splachnocystica. Identifiers: Orphanet 564, MedGen C0265215, MONDO:0018921.
Meckel syndrome, type 5 (MKS5). Identifiers: Orphanet 564, MedGen C1969052, MONDO:0012695, OMIM 611561.
COACH syndrome 3. Identifiers: MedGen C5436841, MONDO:0030862, OMIM 619113.
Joubert syndrome 7 (JBTS7). Identifiers: Orphanet 220497, MedGen C1969053, MONDO:0012694, OMIM 611560.
Nephronophthisis 8. Identifiers: MedGen CN119610.
Retinal dystrophy. Also called: Inherited retinal dystrophy. Identifiers: Orphanet 71862, MedGen C0854723, MeSH D058499, MONDO:0019118, HP:0000556.

Allele frequency attached by ClinVar (database versions not stated): ESP Exome Variant Server 0.00015; 1000 Genomes Project 30x 0.00016; 1000 Genomes Project 0.00020; TOPMed 0.00023; gnomAD 0.00031 and 0.00034; gnomAD exomes 0.00046 and 0.00054; ExAC 0.00054.
gnomAD v4.1: 701 of 1,614,038 alleles (0.043%); highest among the groups gnomAD compares: East Asian, 0.64%; 1 homozygote.

Submissions (14):

Labcorp Genetics (formerly Invitae), Labcorp
Classification: Likely benign for Joubert syndrome; Meckel-Gruber syndrome. Last evaluated: 2026-01-28. Review status: criteria provided, single submitter. Criteria: Invitae Variant Classification Sherloc (09022015). Collection method: clinical testing. Allele origin: germline.

Ambry Genetics
Classification: Likely benign for Inborn genetic diseases. Last evaluated: 2025-10-10. Review status: criteria provided, single submitter. Criteria: Ambry Variant Classification Scheme 2023. Collection method: clinical testing. Allele origin: germline.

Mayo Clinic Laboratories, Mayo Clinic
Classification: Likely benign. Last evaluated: 2024-12-27. Review status: criteria provided, single submitter. Criteria: ACMG Guidelines, 2015. Collection method: clinical testing. Allele origin: germline. Observed: 2 variant alleles.
Comment: BA1

Blueprint Genetics
Classification: Likely benign. Last evaluated: 2024-11-25. Review status: criteria provided, single submitter. Criteria: ACMG Guidelines, 2015. Collection method: clinical testing. Allele origin: germline.

Fulgent Genetics
Classification: Uncertain significance for Joubert syndrome 7; Meckel syndrome, type 5; COACH syndrome 3. Last evaluated: 2024-06-01. Review status: criteria provided, single submitter. Criteria: ACMG Guidelines, 2015. Collection method: clinical testing. Allele origin: germline.

Institute of Human Genetics, Univ. Regensburg, Univ. Regensburg
Classification: Uncertain significance for Retinal dystrophy. Last evaluated: 2022-01-01. Review status: criteria provided, single submitter. Criteria: ACMG Guidelines, 2015. Collection method: clinical testing. Allele origin: germline. Affected: yes.

Ocular Genomics Institute, Massachusetts Eye and Ear
Classification: Uncertain significance for Joubert syndrome 7. Last evaluated: 2021-04-08. Review status: criteria provided, single submitter. Criteria: ACMG Guidelines, 2015. Collection method: research. Allele origin: germline. Affected: yes.
Comment: Through a review of available evidence we were able to apply the following criteria: PM2, PP3. Based on this evidence we have classified this variant as Variant of Uncertain Significance.

CeGaT Center for Human Genetics Tuebingen
Classification: Uncertain significance. Last evaluated: 2020-06-01. Review status: criteria provided, single submitter. Criteria: CeGaT Center For Human Genetics Tuebingen Variant Classification Criteria Version 2. Collection method: clinical testing. Allele origin: germline. Affected: yes. Observed: 1 variant allele.

Centre for Mendelian Genomics, University Medical Centre Ljubljana
Classification: Uncertain significance for Joubert syndrome 7. Last evaluated: 2019-10-17. Review status: criteria provided, single submitter. Criteria: ACMG Guidelines, 2015. Collection method: clinical testing. Allele origin: unknown. Affected: yes.
Comment: This variant was classified as: Uncertain significance. The available evidence on this variant's pathogenicity is insufficient or conflicting. The following ACMG criteria were applied in classifying this variant: PP3,BS1.

GeneDx
Classification: Uncertain significance. Last evaluated: 2018-02-27. Review status: criteria provided, single submitter. Criteria: GeneDx Variant Classification (06012015). Collection method: clinical testing. Allele origin: germline. Affected: yes.
Comment: The L57F variant in the RPGRIP1L gene has not been reported previously as a pathogenic variant, nor as a benign variant, to our knowledge. The L57F variant is observed in 19/8654 (0.22%) alleles from individuals of East Asian background, in the ExAC dataset (Lek et al., 2016). The L57F variant is a conservative amino acid substitution, which is not likely to impact secondary protein structure as these residues share similar properties. This substitution occurs at a position where amino acids with similar properties to Leucine are tolerated across species. In silico analysis predicts this variant is probably damaging to the protein structure/function. We interpret L57F as a variant of uncertain significance.

Illumina Laboratory Services, Illumina
Classification: Uncertain significance for Meckel syndrome, type 5. Last evaluated: 2018-01-13. Review status: criteria provided, single submitter. Criteria: ICSL Variant Classification Criteria 13 December 2019. Collection method: clinical testing. Allele origin: germline.

Illumina Laboratory Services, Illumina
Classification: Uncertain significance for Nephronophthisis 8. Last evaluated: 2018-01-13. Review status: criteria provided, single submitter. Criteria: ICSL Variant Classification Criteria 13 December 2019. Collection method: clinical testing. Allele origin: germline.

Illumina Laboratory Services, Illumina
Classification: Uncertain significance for Joubert syndrome 7. Last evaluated: 2018-01-13. Review status: criteria provided, single submitter. Criteria: ICSL Variant Classification Criteria 13 December 2019. Collection method: clinical testing. Allele origin: germline.

Juno Genomics, Hangzhou Juno Genomics, Inc
Classification: Uncertain significance for COACH syndrome 3; Joubert syndrome 7; Meckel syndrome, type 5. Review status: criteria provided, single submitter. Criteria: ACMG Guidelines, 2015. Collection method: clinical testing. Allele origin: germline.
Comment: Absent from controls (or at extremely low frequency if recessive) in Genome Aggregation Database.

Literature cited by the submitters: PubMed 29343940 (cited by Mayo Clinic Laboratories, Mayo Clinic and Institute of Human Genetics, Univ. Regensburg, Univ. Regensburg); PubMed 36915689 (cited by Mayo Clinic Laboratories, Mayo Clinic); PubMed 37734845 (cited by Mayo Clinic Laboratories, Mayo Clinic); PubMed 38374194 (cited by Mayo Clinic Laboratories, Mayo Clinic); PubMed 3442652 (cited by Institute of Human Genetics, Univ. Regensburg, Univ. Regensburg).